The following is an entry in ClinVar:

ClinVar aggregate classification (germline): Pathogenic/Likely pathogenic. Review status: criteria provided, multiple submitters, no conflicts (2 of 4 stars). 11 submissions from 11 submitters: Pathogenic (5); Likely pathogenic (1). 5 of the submissions do not count toward it. Last evaluated 2025-12-04.

Conditions:
Cardiovascular phenotype. Identifiers: MedGen CN230736.
KCNQ1-related disorder. Also called: KCNQ1-related condition; KCNQ1-related disorders. Identifiers: MedGen CN239322.
Atrial fibrillation. Identifiers: MedGen C0004238, MONDO:0004981, HP:0005110.
Long QT syndrome (LQTS). Identifiers: MedGen C0023976, MeSH D008133, MONDO:0002442. Disease mechanism: loss of function. Inheritance: Various modes of inheritance.
Short QT syndrome type 2. Identifiers: Orphanet 51083, MedGen C1865019, MONDO:0012313, OMIM 609621.

Submissions (11):

3billion
Classification: Likely pathogenic for KCNQ1-related disorder. Last evaluated: 2025-12-04. Review status: criteria provided, single submitter. Criteria: ACMG Guidelines, 2015. Collection method: clinical testing. Allele origin: germline. Affected: yes.
Comment: The variant is not observed in the gnomAD v4.1.0 dataset. Predicted Consequence/Location: Missense variant Functional studies provide supporting evidence of the variant having a damaging effect on the gene or gene product (PMID: 16109388, 18599533, 24006450). In silico tool predictions suggest damaging effect of the variant on gene or gene product [REVEL: 0.91 (>=0.6, sensitivity 0.68 and specificity 0.92); 3Cnet: 0.99 (> 0.75, sensitivity 0.96 and precision 0.92)]. The same nucleotide change resulting in the same amino acid change has been previously reported as pathogenic/likely pathogenic with strong evidence (ClinVar ID: VCV000067072 /PMID: 16109388). Therefore, this variant is classified as Likely pathogenic according to the recommendation of ACMG/AMP guideline.

Labcorp Genetics (formerly Invitae), Labcorp
Classification: Pathogenic for Long QT syndrome. Last evaluated: 2024-03-06. Review status: criteria provided, single submitter. Criteria: Invitae Variant Classification Sherloc (09022015). Collection method: clinical testing. Allele origin: germline.
Comment: This sequence change replaces valine, which is neutral and non-polar, with methionine, which is neutral and non-polar, at codon 141 of the KCNQ1 protein (p.Val141Met). This variant is not present in population databases (gnomAD no frequency). This missense change has been observed in individual(s) with very early onset atrial fibrillation (AF) and short QT syndrome (SQTS) (PMID: 16109388, 23375927, 24818999). In at least one individual the variant was observed to be de novo. ClinVar contains an entry for this variant (Variation ID: 67072). Advanced modeling of protein sequence and biophysical properties (such as structural, functional, and spatial information, amino acid conservation, physicochemical variation, residue mobility, and thermodynamic stability) performed at Invitae indicates that this missense variant is expected to disrupt KCNQ1 protein function with a positive predictive value of 95%. Experimental studies have shown that this missense change affects KCNQ1 function (PMID: 16109388, 18599533, 24006450). For these reasons, this variant has been classified as Pathogenic.

Rady Children's Institute for Genomic Medicine, Rady Children's Hospital San Diego
Classification: Pathogenic for KCNQ1-related disorders. Last evaluated: 2023-10-28. Review status: criteria provided, single submitter. Criteria: ACMG Guidelines, 2015. Collection method: clinical testing. Allele origin: germline. Affected: yes.
Comment: The c.421G>A (p.Val141Met) variant affects a highly conserved amino acid and is predicted by multiple in silico tools to have a deleterious effect on protein function. This variant has been previously reported in patients with atrial fibrillation and short QT syndrome (PMID: 16109388, 23375927, 25974115). Functional studies illustrate that is a gain of function variant that affects KCNQ1 function (PMID: 16109388, 18599533, 22250012, 24006450). The c.421G>A (p.Val141Met) variant is absent from the gnomAD population database and thus is presumed to be rare. Based on the available evidence, c.421G>A (p.Val141Met) is classified as Pathogenic.

Blueprint Genetics
Classification: Pathogenic for KCNQ1-related disorders. Last evaluated: 2022-03-29. Review status: criteria provided, single submitter. Criteria: ACMG Guidelines, 2015. Collection method: clinical testing. Allele origin: germline. Affected: yes. Observed: 2 variant alleles.

GeneDx
Classification: Pathogenic. Last evaluated: 2020-01-17. Review status: criteria provided, single submitter. Criteria: GeneDx Variant Classification Process June 2021. Collection method: clinical testing. Allele origin: germline. Affected: yes.
Comment: Reported in ClinVar as a pathogenic variant (ClinVar Variant ID# 67072; Landrum et al., 2016); Not observed in large population cohorts (Lek et al., 2016); In silico analysis, which includes protein predictors and evolutionary conservation, supports a deleterious effect; Published functional studies demonstrate a damaging effect as this variant results in a slowed deactivation of the potassium channel which is consistent with the disease mechanism for SQTS (Hong et al., 2005; Restier et al., 2008; Chan et al., 2012); This variant is associated with the following publications: (PMID: 24721657, 19862833, 28383569, 29697308, 24818999, 24006450, 18599533, 23375927, 16109388, 17999538, 20126594, 22529812, 26279191, 22250012, 21682648, 20667544, 26346102, 28491547, 28814790, 22581653, 25974115, 29213224, 31965297)

Ambry Genetics
Classification: Pathogenic for Cardiovascular phenotype. Last evaluated: 2016-12-02. Review status: criteria provided, single submitter. Criteria: Ambry Variant Classification Scheme 2023. Collection method: clinical testing. Allele origin: germline.
Comment: The p.V141M pathogenic mutation (also known as c.421G>A), located in coding exon 2 of the KCNQ1 gene, results from a G to A substitution at nucleotide position 421. The valine at codon 141 is replaced by methionine, an amino acid with highly similar properties. This mutation was reported in individuals with very early age onset atrial fibrillation (AF) and short QT syndrome (SQTS), including several reported de novo cases (Hong K et al. Cardiovasc. Res., 2005 Dec;68:433-40; Villafa&ntilde;e J et al. J. Am. Coll. Cardiol., 2013 Mar;61:1183-91; Harrell DT et al. Int. J. Cardiol., 2015 Apr;190:393-402; Sarquella-Brugada G et al. Heart Rhyth. Case Rpt, 2015 Jul;1:193-197). Functional studies demonstrated that this is a gain-of-function mutation resulting in slowed deactivation of the potassium channel (Hong K et al. Cardiovasc. Res., 2005 Dec;68:433-40; Restier L et al. J. Physiol. (Lond.), 2008 Sep;586:4179-91; Chan PJ et al. J. Gen. Physiol., 2012 Feb;139:135-44). Based on the supporting evidence, this alteration is interpreted as a disease-causing mutation.

OMIM
Classification: Pathogenic for SHORT QT SYNDROME 2. Last evaluated: 2005-12-01. Review status: no assertion criteria provided. Collection method: literature only. Allele origin: germline. Not counted in ClinVar's aggregate classification.

Cardiovascular Biomedical Research Unit, Royal Brompton & Harefield NHS Foundation Trust
No classification provided. Condition: Atrial fibrillation. Review status: no classification provided. Collection method: literature only. Allele origin: germline. Not counted in ClinVar's aggregate classification.
Comment: This variant has been reported as associated with Atrial fibrillation in the following publications (PMID:16109388;PMID:18599533;PMID:22250012;PMID:17999538). This is a literature report, and does not necessarily reflect the clinical interpretation of the Imperial College / Royal Brompton Cardiovascular Genetics laboratory.

Clinical Genetics, Academic Medical Center
Classification: Pathogenic. Review status: no assertion criteria provided. Collection method: clinical testing. Allele origin: germline. Affected: yes. Study: VKGL Data-share Consensus. Not counted in ClinVar's aggregate classification.

Genome Diagnostics Laboratory, University Medical Center Utrecht
Classification: Pathogenic. Review status: no assertion criteria provided. Collection method: clinical testing. Allele origin: germline. Affected: yes. Study: VKGL Data-share Consensus. Not counted in ClinVar's aggregate classification.

Joint Genome Diagnostic Labs from Nijmegen and Maastricht, Radboudumc and MUMC+
Classification: Pathogenic. Review status: no assertion criteria provided. Collection method: clinical testing. Allele origin: germline. Affected: yes. Study: VKGL Data-share Consensus. Not counted in ClinVar's aggregate classification.

Literature cited by the submitters: PubMed 24006450 (cited by 3billion and Labcorp Genetics (formerly Invitae), Labcorp); PubMed 18599533 (cited by 4 submitters); PubMed 16109388 (cited by 6 submitters); PubMed 23375927 (cited by Labcorp Genetics (formerly Invitae), Labcorp and Ambry Genetics); PubMed 24818999 (cited by Labcorp Genetics (formerly Invitae), Labcorp and OMIM); 23375927 (cited by Rady Children's Institute for Genomic Medicine, Rady Children's Hospital San Diego); 25974115 (cited by Rady Children's Institute for Genomic Medicine, Rady Children's Hospital San Diego); 18599533 (cited by Rady Children's Institute for Genomic Medicine, Rady Children's Hospital San Diego); 22250012 (cited by Rady Children's Institute for Genomic Medicine, Rady Children's Hospital San Diego); 24006450 (cited by Rady Children's Institute for Genomic Medicine, Rady Children's Hospital San Diego); PubMed 22250012 (cited by Ambry Genetics and Cardiovascular Biomedical Research Unit, Royal Brompton & Harefield NHS Foundation Trust); PubMed 25974115 (cited by Ambry Genetics); PubMed 28383569 (cited by OMIM); PubMed 17999538 (cited by Cardiovascular Biomedical Research Unit, Royal Brompton & Harefield NHS Foundation Trust); PubMed 22581653 (cited by Cardiovascular Biomedical Research Unit, Royal Brompton & Harefield NHS Foundation Trust).

NM_000218.3(KCNQ1):c.421G>A (p.Val141Met)

Gene: KCNQ1 (potassium voltage-gated channel subfamily Q member 1; plus strand). Cytogenetic location: 11p15.5.
Variant type: single nucleotide variant.
Coding change: c.421G>A on transcript NM_000218.3 (MANE Select); coding-DNA position 421, G replaced by A.
Protein change: p.Val141Met; replaces valine 141 with methionine.
Molecular consequence: missense variant.
Genome position (GRCh38, 1-based): chr11:2,527,962, G>A. VCF-style: chr11-2527962-G-A. GRCh37 (hg19) VCF-style: chr11-2549192-G-A.
Other names: c.421G>A (LRG_287t1); c.421G>A, p.Val141Met (NM_001406836.1, NM_001406838.1); c.151G>A, p.Val51Met (NM_001406837.1); c.40G>A, p.Val14Met (NM_181798.2); short protein forms V141M, V14M, V51M.
Identifiers: ClinVar variation 67072 (VCV000067072.22), dbSNP rs199472687, ClinGen allele CA007045.